The following is an entry in ClinVar:

NM_001199138.2(NLRC4):c.1852G>C (p.Gly618Arg)

Gene: NLRC4 (NLR family CARD domain containing 4; minus strand). Cytogenetic location: 2p22.3.
Variant type: single nucleotide variant.
Coding change: c.1852G>C on transcript NM_001199138.2 (MANE Select); coding-DNA position 1852, G replaced by C.
Protein change: p.Gly618Arg; replaces glycine 618 with arginine.
Molecular consequence: missense variant. On other transcripts: intron variant (1).
Genome position (GRCh38, 1-based): chr2:32,250,012, C>G on the plus strand (G>C on the coding strand, the complement: NLRC4 is on the minus strand). VCF-style: chr2-32250012-C-G. GRCh37 (hg19) VCF-style: chr2-32475081-C-G.
Other names: c.1852G>C, p.Gly618Arg (NM_001199139.2, NM_021209.5); c.262+2407G>C (NM_001302504.1); short protein forms G618R.
Identifiers: ClinVar variation 4994895 (VCV004994895.1).
Genomic context (GRCh38, chr2:32,250,012, plus strand): 5'-CTTCCATGTGGATTCCACCTGTGTCTTCTGCAGCCTTTTCCCATGAAGCCATAGCTCCCC[C>G]ATAAAAGTCCAGTTTAATGAAGTCCAGGGCACTTGCACAATTGGGCAAATGTTCAAAGAA-3'
Protein context (NP_001186067.1, residues 608-628): ALDFIKLDFY[Gly618Arg]GAMASWEKAA

ClinVar aggregate classification (germline): Uncertain significance (1 of 4 stars; one submission).

Conditions:
NLRC4-related disorder. Also called: NLRC4-related condition.

Submission:

PreventionGenetics, part of Exact Sciences
Classification: Uncertain significance for NLRC4-related condition. Last evaluated: 2025-08-29. Review status: criteria provided, single submitter. Criteria: ACMG Guidelines, 2015. Collection method: clinical testing. Allele origin: germline.
Comment: The NLRC4 c.1852G>C variant is predicted to result in the amino acid substitution p.Gly618Arg. To our knowledge, this variant has not been reported in the literature or in a large population database (gnomAD), indicating this variant is rare. At this time, the clinical significance of this variant is uncertain due to the absence of conclusive functional and genetic evidence.